The following is an entry in ClinVar:

NM_000020.3(ACVRL1):c.1377+13C>A

Gene: ACVRL1 (activin A receptor like type 1; plus strand). Cytogenetic location: 12q13.13.
Variant type: single nucleotide variant.
Coding change: c.1377+13C>A on transcript NM_000020.3 (MANE Select); 13 bases into the intron after coding-DNA position 1377, C replaced by A.
Molecular consequence: intron variant. On other transcripts: missense variant (3).
Genome position (GRCh38, 1-based): chr12:51,919,128, C>A. VCF-style: chr12-51919128-C-A. GRCh37 (hg19) VCF-style: chr12-52312912-C-A.
Other names: c.1390C>A, p.Leu464Met (NM_001406488.1, NM_001406489.1); c.1078C>A, p.Leu360Met (NM_001406493.1); c.1377+13C>A (NM_001406487.1, NM_001077401.2); c.1065+13C>A (NM_001406491.1, NM_001406492.1); c.1221+13C>A (NM_001406490.1); c.867+13C>A (NM_001406494.1); c.813+13C>A (NM_001406495.1); short protein forms L360M, L464M.
Identifiers: ClinVar variation 3907269 (VCV003907269.1).

ClinVar aggregate classification (germline): Likely benign (1 of 4 stars; one submission).

gnomAD v4.1: 4 of 1,613,474 alleles (0.00025%); highest among the groups gnomAD compares: African/African-American, 0.0013%; no homozygotes.

Submission:

Women's Health and Genetics/Laboratory Corporation of America, LabCorp
Classification: Likely benign. Last evaluated: 2025-06-27. Review status: criteria provided, single submitter. Criteria: LabCorp Variant Classification Summary - May 2015. Collection method: clinical testing. Allele origin: germline.
Comment: Variant summary: ACVRL1 c.1377+13C>A alters a nucleotide located at a position not widely known to affect splicing. Consensus agreement among computation tools predict no significant impact on normal splicing. However, these predictions have yet to be confirmed by functional studies. The variant allele was found at a frequency of 8e-06 in 251166 control chromosomes. The available data on variant occurrences in the general population are insufficient to allow any conclusion about variant significance. To our knowledge, no occurrence of c.1377+13C>A in individuals affected with Hereditary Hemorrhagic Telangiectasia and no experimental evidence demonstrating its impact on protein function have been reported. No submitters have cited clinical-significance assessments for this variant to ClinVar. Based on the evidence outlined above, the variant was classified as likely benign.